The following is an entry in ClinVar:

NM_001145809.2(MYH14):c.1343T>C (p.Leu448Pro)

Gene: MYH14 (myosin heavy chain 14; plus strand). Cytogenetic location: 19q13.33.
Variant type: single nucleotide variant.
Coding change: c.1343T>C on transcript NM_001145809.2 (MANE Select); coding-DNA position 1343, T replaced by C.
Protein change: p.Leu448Pro; replaces leucine 448 with proline.
Molecular consequence: missense variant.
Genome position (GRCh38, 1-based): chr19:50,249,000, T>C. VCF-style: chr19-50249000-T-C. GRCh37 (hg19) VCF-style: chr19-50752257-T-C.
Other names: c.1343T>C, p.Leu448Pro (NM_001077186.2); c.1319T>C, p.Leu440Pro (NM_024729.4); short protein forms L440P, L448P.
Identifiers: ClinVar variation 2506057 (VCV002506057.1), dbSNP rs2514357296, ClinGen allele CA406958739.

ClinVar aggregate classification (germline): Uncertain significance (1 of 4 stars; one submission).

Allele frequency attached by ClinVar (database versions not stated): gnomAD exomes below 0.00001.
gnomAD v4.1: 1 of 1,613,636 alleles (0.000062%); highest among the groups gnomAD compares: Non-Finnish European, 0.000085%; no homozygotes.

Submission:

Women's Health and Genetics/Laboratory Corporation of America, LabCorp
Classification: Uncertain significance. Last evaluated: 2023-05-31. Review status: criteria provided, single submitter. Criteria: LabCorp Variant Classification Summary - May 2015. Collection method: clinical testing. Allele origin: germline.
Comment: Variant summary: MYH14 c.1319T>C (p.Leu440Pro) results in a non-conservative amino acid change located in the Myosin head, motor domain (IPR001609) of the encoded protein sequence. Four of five in-silico tools predict a damaging effect of the variant on protein function. The variant was absent in 247148 control chromosomes (gnomAD). The available data on variant occurrences in the general population are insufficient to allow any conclusion about variant significance. To our knowledge, no occurrence of c.1319T>C in individuals affected with Deafness, Autosomal Dominant 4 and no experimental evidence demonstrating its impact on protein function have been reported. No clinical diagnostic laboratories have submitted clinical-significance assessments for this variant to ClinVar after 2014. Based on the evidence outlined above, the variant was classified as uncertain significance.